The following is an entry in ClinVar:

ClinVar aggregate classification (germline): Uncertain significance. Review status: criteria provided, single submitter (1 of 4 stars). 2 submissions from 2 submitters: Uncertain significance (1). 1 of the submissions does not count toward it. Last evaluated 2025-08-05.

Conditions:
DNHD1-related disorder. Also called: DNHD1-related condition.

Allele frequency attached by ClinVar (database versions not stated): gnomAD exomes 0.00028; ExAC 0.00081; ESP Exome Variant Server 0.00153; 1000 Genomes Project 0.00200; 1000 Genomes Project 30x 0.00219; gnomAD 0.00239; TOPMed 0.00288.
gnomAD v4.1: 782 of 1,551,638 alleles (0.05%); highest among the groups gnomAD compares: African/African-American, 0.84%; 2 homozygotes.

Submissions (2):

Ambry Genetics
Classification: Uncertain significance. Last evaluated: 2025-08-05. Review status: criteria provided, single submitter. Criteria: Ambry Variant Classification Scheme 2023. Collection method: clinical testing. Allele origin: germline.

PreventionGenetics, part of Exact Sciences
Classification: Benign for DNHD1-related condition. Last evaluated: 2019-12-24. Review status: no assertion criteria provided. Collection method: clinical testing. Allele origin: germline. Not counted in ClinVar's aggregate classification.
Comment: This variant is classified as benign based on ACMG/AMP sequence variant interpretation guidelines (Richards et al. 2015 PMID: 25741868, with internal and published modifications).

NM_144666.3(DNHD1):c.2215C>A (p.Pro739Thr)

Gene: DNHD1 (dynein heavy chain domain 1; plus strand). Cytogenetic location: 11p15.4.
Variant type: single nucleotide variant.
Coding change: c.2215C>A on transcript NM_144666.3 (MANE Select); coding-DNA position 2215, C replaced by A.
Protein change: p.Pro739Thr; replaces proline 739 with threonine.
Molecular consequence: missense variant.
Genome position (GRCh38, 1-based): chr11:6,528,989, C>A. VCF-style: chr11-6528989-C-A. GRCh37 (hg19) VCF-style: chr11-6550219-C-A.
Other names: short protein forms P739T.
Identifiers: ClinVar variation 3041343 (VCV003041343.3), dbSNP rs77782606, ClinGen allele CA5855758.
Genomic context (GRCh38, chr11:6,528,989, plus strand): 5'-GGCATTTATGAATTCCTGCAATCCTGGGGGCCTCAGAAGCTGGAAGACATGAGAGGTGGT[C>A]CCATCAAGAACTACGTGACGCTGGTGAGCCGCCTGAATGTTTGGCAGGCCCGTGTCTCCA-3'
Protein context (NP_653267.2, residues 729-749): PQKLEDMRGG[Pro739Thr]IKNYVTLVSR